The following is an entry in ClinVar:

NM_001204.7(BMPR2):c.2701A>G (p.Asn901Asp)

Gene: BMPR2 (bone morphogenetic protein receptor type 2; plus strand). Cytogenetic location: 2q33.2.
Variant type: single nucleotide variant.
Coding change: c.2701A>G on transcript NM_001204.7 (MANE Select); coding-DNA position 2701, A replaced by G.
Protein change: p.Asn901Asp; replaces asparagine 901 with aspartic acid.
Molecular consequence: missense variant.
Genome position (GRCh38, 1-based): chr2:202,556,366, A>G. VCF-style: chr2-202556366-A-G. GRCh37 (hg19) VCF-style: chr2-203421089-A-G.
Other names: short protein forms N901D.
Identifiers: ClinVar variation 4867628 (VCV004867628.1).

ClinVar aggregate classification (germline): Uncertain significance (1 of 4 stars; one submission).

Conditions:
Inborn genetic diseases. Identifiers: MedGen C0950123, MeSH D030342.

Submission:

Ambry Genetics
Classification: Uncertain significance for Inborn genetic diseases. Last evaluated: 2026-05-14. Review status: criteria provided, single submitter. Criteria: Ambry Variant Classification Scheme 2023. Collection method: clinical testing. Allele origin: germline.
Comment: The p.N901D variant (also known as c.2701A>G), located in coding exon 12 of the BMPR2 gene, results from an A to G substitution at nucleotide position 2701. The asparagine at codon 901 is replaced by aspartic acid, an amino acid with highly similar properties. This amino acid position is conserved. In addition, the in silico prediction for this alteration is inconclusive. Based on the available evidence, the clinical significance of this variant remains unclear.